The following is an entry in ClinVar:

NM_000528.4(MAN2B1):c.259G>A (p.Gly87Arg)

Gene: MAN2B1 (mannosidase alpha class 2B member 1; minus strand). Cytogenetic location: 19p13.13.
Variant type: single nucleotide variant.
Coding change: c.259G>A on transcript NM_000528.4 (MANE Select); coding-DNA position 259, G replaced by A.
Protein change: p.Gly87Arg; replaces glycine 87 with arginine.
Molecular consequence: missense variant.
Genome position (GRCh38, 1-based): chr19:12,665,706, C>T on the plus strand (G>A on the coding strand, the complement: MAN2B1 is on the minus strand). VCF-style: chr19-12665706-C-T. GRCh37 (hg19) VCF-style: chr19-12776520-C-T.
Other names: c.259G>A (NM_000528.3); c.259G>A, p.Gly87Arg (NM_001173498.2); short protein forms G87R.
Identifiers: ClinVar variation 3016381 (VCV003016381.3), dbSNP rs753811983, ClinGen allele CA9226872.
Genomic context (GRCh38, chr19:12,665,706, plus strand): 5'-CAGAGGGATTACAGGGACCATGGGGATCCCAGGGACCAGTCCCCATCCTCTACTCACTTC[C>T]ATAAAAGTACTGGTCCACGGTTTTGAGCCAGCCCACGTCATCATGTGTGTGAGGCAGCAG-3'
Protein context (NP_000519.2, residues 77-97): WLKTVDQYFY[Gly87Arg]IKNDIQHAGV

ClinVar aggregate classification (germline): Uncertain significance. Review status: criteria provided, multiple submitters, no conflicts (2 of 4 stars). 2 submissions from 2 submitters: Uncertain significance (2). Last evaluated 2025-03-04.

Conditions:
Inborn genetic diseases. Identifiers: MedGen C0950123, MeSH D030342.
Deficiency of alpha-mannosidase (MANSA). Also called: Alpha-Mannosidosis; LYSOSOMAL ALPHA-D-MANNOSIDASE DEFICIENCY; Mannosidosis, alpha-, types I and II. Identifiers: Orphanet 61, MedGen C0024748, MONDO:0009561, OMIM 248500.

gnomAD v4.1: 1 of 1,613,970 alleles (0.000062%); highest among the groups gnomAD compares: Non-Finnish European, 0.000085%; no homozygotes.

Submissions (2):

Ambry Genetics
Classification: Uncertain significance for Inborn genetic diseases. Last evaluated: 2025-03-04. Review status: criteria provided, single submitter. Criteria: Ambry Variant Classification Scheme 2023. Collection method: clinical testing. Allele origin: germline.
Comment: The c.259G>A (p.G87R) alteration is located in exon 2 (coding exon 2) of the MAN2B1 gene. This alteration results from a G to A substitution at nucleotide position 259, causing the glycine (G) at amino acid position 87 to be replaced by an arginine (R). This variant was not reported in population-based cohorts in the Genome Aggregation Database (gnomAD). This amino acid position is highly conserved in available vertebrate species. This alteration is predicted to be deleterious by in silico analysis. Based on insufficient or conflicting evidence, the clinical significance of this alteration remains unclear.

Labcorp Genetics (formerly Invitae), Labcorp
Classification: Uncertain significance for Deficiency of alpha-mannosidase. Last evaluated: 2023-07-12. Review status: criteria provided, single submitter. Criteria: Invitae Variant Classification Sherloc (09022015). Collection method: clinical testing. Allele origin: germline.
Comment: This sequence change replaces glycine, which is neutral and non-polar, with arginine, which is basic and polar, at codon 87 of the MAN2B1 protein (p.Gly87Arg). This variant is present in population databases (rs753811983, gnomAD 0.0009%). This variant has not been reported in the literature in individuals affected with MAN2B1-related conditions. Advanced modeling of protein sequence and biophysical properties (such as structural, functional, and spatial information, amino acid conservation, physicochemical variation, residue mobility, and thermodynamic stability) has been performed at Invitae for this missense variant, however the output from this modeling did not meet the statistical confidence thresholds required to predict the impact of this variant on MAN2B1 protein function. In summary, the available evidence is currently insufficient to determine the role of this variant in disease. Therefore, it has been classified as a Variant of Uncertain Significance.